The following is an entry in ClinVar:

ClinVar aggregate classification (germline): Benign/Likely benign. Review status: criteria provided, multiple submitters, no conflicts (2 of 4 stars). 8 submissions from 8 submitters: Benign (1); Likely benign (6). 1 of the submissions does not count toward it. Last evaluated 2026-01-19.

Conditions:
Hereditary cancer-predisposing syndrome. Also called: Neoplastic Syndromes, Hereditary; Hereditary neoplastic syndrome; Hereditary Cancer Syndrome; Tumor predisposition. Identifiers: Orphanet 140162, MedGen C0027672, MeSH D009386, MONDO:0015356.
POLD1-related disorder. Also called: POLD1-related disorders; POLD1-related condition.
POLD1-related polyposis and colorectal cancer syndrome (CRCS10). Also called: Colorectal cancer, susceptibility to, 10; Colorectal cancer 10; COLORECTAL CANCER, SUSCEPTIBILITY TO, ON CHROMOSOME 19q. Identifiers: Orphanet 220460, MedGen C2675481, MONDO:0012953, OMIM 612591.

Allele frequency attached by ClinVar (database versions not stated): gnomAD 0.00010; TOPMed 0.00002; gnomAD exomes 0.00003; ExAC 0.00004.
gnomAD v4.1: 33 of 1,585,842 alleles (0.0021%); highest among the groups gnomAD compares: Admixed American, 0.024%; no homozygotes.

Submissions (8):

Labcorp Genetics (formerly Invitae), Labcorp
Classification: Likely benign for POLD1-related polyposis and colorectal cancer syndrome. Last evaluated: 2026-01-19. Review status: criteria provided, single submitter. Criteria: Invitae Variant Classification Sherloc (09022015). Collection method: clinical testing. Allele origin: germline.

Center for Genomic Medicine, Rigshospitalet, Copenhagen University Hospital
Classification: Likely benign. Last evaluated: 2025-03-04. Review status: criteria provided, single submitter. Criteria: ACMG Guidelines, 2015. Collection method: clinical testing. Allele origin: germline.

Blueprint Genetics
Classification: Likely benign. Last evaluated: 2024-08-23. Review status: criteria provided, single submitter. Criteria: ACMG Guidelines, 2015. Collection method: clinical testing. Allele origin: germline.

Women's Health and Genetics/Laboratory Corporation of America, LabCorp
Classification: Likely benign. Last evaluated: 2022-02-24. Review status: criteria provided, single submitter. Criteria: LabCorp Variant Classification Summary - May 2015. Collection method: clinical testing. Allele origin: germline.

Sema4
Classification: Benign for Hereditary cancer-predisposing syndrome. Last evaluated: 2021-01-31. Review status: criteria provided, single submitter. Criteria: Sema4 Curation Guidelines. Collection method: curation. Allele origin: germline.

GeneDx
Classification: Likely benign. Last evaluated: 2020-11-09. Review status: criteria provided, single submitter. Criteria: GeneDx Variant Classification Process June 2021. Collection method: clinical testing. Allele origin: germline. Affected: yes.
Comment: This variant is associated with the following publications: (PMID: 25303977)

Ambry Genetics
Classification: Likely benign for Hereditary cancer-predisposing syndrome. Last evaluated: 2017-03-07. Review status: criteria provided, single submitter. Criteria: Ambry Variant Classification Scheme 2023. Collection method: clinical testing. Allele origin: germline.

PreventionGenetics, part of Exact Sciences
Classification: Likely benign for POLD1-related condition. Last evaluated: 2022-05-06. Review status: no assertion criteria provided. Collection method: clinical testing. Allele origin: germline. Not counted in ClinVar's aggregate classification.
Comment: This variant is classified as likely benign based on ACMG/AMP sequence variant interpretation guidelines (Richards et al. 2015 PMID: 25741868, with internal and published modifications).

NM_002691.4(POLD1):c.102C>T (p.Phe34=)

Gene: POLD1 (DNA polymerase delta 1, catalytic subunit; plus strand). Cytogenetic location: 19q13.33.
Variant type: single nucleotide variant.
Coding change: c.102C>T on transcript NM_002691.4 (MANE Select); coding-DNA position 102, C replaced by T.
Protein change: p.Phe34=; no amino-acid change (phenylalanine 34 retained).
Molecular consequence: synonymous variant. On other transcripts: non-coding transcript variant (1).
Genome position (GRCh38, 1-based): chr19:50,398,953, C>T. VCF-style: chr19-50398953-C-T. GRCh37 (hg19) VCF-style: chr19-50902210-C-T.
Other names: c.102C>T, p.Phe34= (NM_001256849.1, NM_001308632.1).
Identifiers: ClinVar variation 386792 (VCV000386792.23), dbSNP rs754716741, ClinGen allele CA9595616.